The following is an entry in ClinVar:

NM_003482.4(KMT2D):c.4558C>T (p.Leu1520=)

Gene: KMT2D (lysine methyltransferase 2D; minus strand). Cytogenetic location: 12q13.12.
Variant type: single nucleotide variant.
Coding change: c.4558C>T on transcript NM_003482.4 (MANE Select); coding-DNA position 4558, C replaced by T.
Protein change: p.Leu1520=; no amino-acid change (leucine 1520 retained).
Molecular consequence: synonymous variant.
Genome position (GRCh38, 1-based): chr12:49,046,285, G>A on the plus strand (C>T on the coding strand, the complement: KMT2D is on the minus strand). VCF-style: chr12-49046285-G-A. GRCh37 (hg19) VCF-style: chr12-49440068-G-A.
Identifiers: ClinVar variation 702799 (VCV000702799.28), dbSNP rs767317933, ClinGen allele CA6547805.

ClinVar aggregate classification (germline): Likely benign. Review status: criteria provided, multiple submitters, no conflicts (2 of 4 stars). 3 submissions from 3 submitters: Likely benign (3). Last evaluated 2023-04-26.

Allele frequency attached by ClinVar (database versions not stated): gnomAD exomes 0.00001; ExAC 0.00002.
gnomAD v4.1: 7 of 1,614,002 alleles (0.00043%); highest among the groups gnomAD compares: Middle Eastern, 0.016%; 1 homozygote.

Submissions (3):

Blueprint Genetics
Classification: Likely benign. Last evaluated: 2023-04-26. Review status: criteria provided, single submitter. Criteria: ACMG Guidelines, 2015. Collection method: clinical testing. Allele origin: germline.

CeGaT Center for Human Genetics Tuebingen
Classification: Likely benign. Last evaluated: 2023-02-01. Review status: criteria provided, single submitter. Criteria: CeGaT Center For Human Genetics Tuebingen Variant Classification Criteria Version 2. Collection method: clinical testing. Allele origin: germline. Affected: yes. Observed: 1 variant allele.
Comment: KMT2D: BP4, BP7

Labcorp Genetics (formerly Invitae), Labcorp
Classification: Likely benign. Last evaluated: 2017-11-27. Review status: criteria provided, single submitter. Criteria: Invitae Variant Classification Sherloc (09022015). Collection method: clinical testing. Allele origin: germline.